The following is an entry in ClinVar:

ClinVar aggregate classification (germline): Uncertain significance (1 of 4 stars; one submission).

Submission:

Labcorp Genetics (formerly Invitae), Labcorp
Classification: Uncertain significance. Last evaluated: 2022-03-12. Review status: criteria provided, single submitter. Criteria: Invitae Variant Classification Sherloc (09022015). Collection method: clinical testing. Allele origin: germline.
Comment: In summary, the available evidence is currently insufficient to determine the role of this variant in disease. Therefore, it has been classified as a Variant of Uncertain Significance. Variants that disrupt the consensus splice site are a relatively common cause of aberrant splicing (PMID: 17576681, 9536098). Algorithms developed to predict the effect of sequence changes on RNA splicing suggest that this variant may disrupt the consensus splice site. Algorithms developed to predict the effect of missense changes on protein structure and function are either unavailable or do not agree on the potential impact of this missense change (SIFT: "Deleterious"; PolyPhen-2: "Probably Damaging"; Align-GVGD: "Class C0"). This variant has not been reported in the literature in individuals affected with EYS-related conditions. This variant is not present in population databases (gnomAD no frequency). This sequence change replaces arginine, which is basic and polar, with threonine, which is neutral and polar, at codon 1976 of the EYS protein (p.Arg1976Thr). This variant also falls at the last nucleotide of exon 28, which is part of the consensus splice site for this exon.

Literature cited by the submitters: PubMed 17576681; PubMed 9536098.

NM_001142800.2(EYS):c.5927G>C (p.Arg1976Thr)

Gene: EYS (EGF-like photoreceptor maintenance factor; minus strand). Cytogenetic location: 6q12.
Variant type: single nucleotide variant.
Coding change: c.5927G>C on transcript NM_001142800.2 (MANE Select); coding-DNA position 5927, G replaced by C.
Protein change: p.Arg1976Thr; replaces arginine 1976 with threonine.
Molecular consequence: missense variant.
Genome position (GRCh38, 1-based): chr6:64,436,174, C>G on the plus strand (G>C on the coding strand, the complement: EYS is on the minus strand). VCF-style: chr6-64436174-C-G. GRCh37 (hg19) VCF-style: chr6-65146067-C-G.
Other names: c.5927G>C, p.Arg1976Thr (NM_001292009.2); short protein forms R1976T.
Identifiers: ClinVar variation 1490553 (VCV001490553.6), dbSNP rs2150463897, ClinGen allele CA364392272.
Genomic context (GRCh38, chr6:64,436,174, plus strand): 5'-TTGTTAGGGATAGCCTTTGCTACTTAATGAGATTAACTGGAAAAGAAATAATTATCTTAC[C>G]TGATAAGCAGTGTATACTTTTGCCCGTTGTCCACTCTAACAGTAGTATTAATGCTTTTAA-3'
Protein context (NP_001136272.1, residues 1966-1986): DNGQKYTLLI[Arg1976Thr]QELDPCNAEL